The following is an entry in ClinVar:

ClinVar aggregate classification (germline): Uncertain significance (1 of 4 stars; one submission).

Conditions:
Autosomal recessive mendelian susceptibility to mycobacterial diseases due to complete RORgamma receptor deficiency. Also called: Immunodeficiency 42. Identifiers: Orphanet 477857, MedGen C5567647, MONDO:0014710, OMIM 616622.

Allele frequency attached by ClinVar (database versions not stated): gnomAD exomes below 0.00001.

Submission:

Labcorp Genetics (formerly Invitae), Labcorp
Classification: Uncertain significance for Autosomal recessive mendelian susceptibility to mycobacterial diseases due to complete RORgamma receptor deficiency. Last evaluated: 2022-05-07. Review status: criteria provided, single submitter. Criteria: Invitae Variant Classification Sherloc (09022015). Collection method: clinical testing. Allele origin: germline.
Comment: This sequence change replaces histidine, which is basic and polar, with tyrosine, which is neutral and polar, at codon 272 of the RORC protein (p.His272Tyr). In summary, the available evidence is currently insufficient to determine the role of this variant in disease. Therefore, it has been classified as a Variant of Uncertain Significance. Algorithms developed to predict the effect of missense changes on protein structure and function output the following: SIFT: "Tolerated"; PolyPhen-2: "Benign"; Align-GVGD: "Class C0". The tyrosine amino acid residue is found in multiple mammalian species, which suggests that this missense change does not adversely affect protein function. This variant has not been reported in the literature in individuals affected with RORC-related conditions. This variant is not present in population databases (gnomAD no frequency).

NM_005060.4(RORC):c.814C>T (p.His272Tyr)

Gene: RORC (RAR related orphan receptor C; minus strand). Cytogenetic location: 1q21.3.
Variant type: single nucleotide variant.
Coding change: c.814C>T on transcript NM_005060.4 (MANE Select); coding-DNA position 814, C replaced by T.
Protein change: p.His272Tyr; replaces histidine 272 with tyrosine.
Molecular consequence: missense variant.
Genome position (GRCh38, 1-based): chr1:151,814,693, G>A on the plus strand (C>T on the coding strand, the complement: RORC is on the minus strand). VCF-style: chr1-151814693-G-A. GRCh37 (hg19) VCF-style: chr1-151787169-G-A.
Other names: c.751C>T, p.His251Tyr (NM_001001523.2); short protein forms H251Y, H272Y.
Identifiers: ClinVar variation 2135208 (VCV002135208.4), dbSNP rs2525620200, ClinGen allele CA342014779.
Genomic context (GRCh38, chr1:151,814,693, plus strand): 5'-GGTCCTCCAGCCGCAGCTGGCATGTCTCCCTGTAGGACTTGCAGACGCTCTGCACCAGGT[G>A]CTCTGGGGCCGGAGAAGGAAGGCATGGCTTGATCTCAGCCAGCTCCTACGCCTACCCATG-3'
Protein context (NP_005051.2, residues 262-282): APYASLTEIE[His272Tyr]LVQSVCKSYR